The following is an entry in ClinVar:

NM_001124758.3(SPNS2):c.1568C>T (p.Ala523Val)

Gene: SPNS2 (SPNS lysolipid transporter 2, sphingosine-1-phosphate; plus strand). Cytogenetic location: 17p13.2.
Variant type: single nucleotide variant.
Coding change: c.1568C>T on transcript NM_001124758.3 (MANE Select); coding-DNA position 1568, C replaced by T.
Protein change: p.Ala523Val; replaces alanine 523 with valine.
Molecular consequence: missense variant.
Genome position (GRCh38, 1-based): chr17:4,536,387, C>T. VCF-style: chr17-4536387-C-T. GRCh37 (hg19) VCF-style: chr17-4439682-C-T.
Other names: short protein forms A523V.
Identifiers: ClinVar variation 4989954 (VCV004989954.1).

ClinVar aggregate classification (germline): Uncertain significance (1 of 4 stars; one submission).

Conditions:
SPNS2-related disorder. Also called: SPNS2-related condition.

gnomAD v4.1: 74 of 1,607,100 alleles (0.0046%); highest among the groups gnomAD compares: East Asian, 0.02%; 1 homozygote.

Submission:

PreventionGenetics, part of Exact Sciences
Classification: Uncertain significance for SPNS2-related condition. Last evaluated: 2026-04-17. Review status: criteria provided, single submitter. Criteria: ACMG Guidelines, 2015. Collection method: clinical testing. Allele origin: germline.
Comment: The SPNS2 c.1568C>T variant is predicted to result in the amino acid substitution p.Ala523Val. To our knowledge, this variant has not been reported in the literature. This variant is reported in 0.051% of alleles in individuals of East Asian descent in gnomAD. Although we suspect that this variant may be benign, at this time, the clinical significance of this variant is uncertain due to the absence of conclusive functional and genetic evidence.